The following is an entry in ClinVar:

NM_018131.5(CEP55):c.1359C>T (p.Arg453=)

Gene: CEP55 (centrosomal protein 55; plus strand). Cytogenetic location: 10q23.33.
Variant type: single nucleotide variant.
Coding change: c.1359C>T on transcript NM_018131.5 (MANE Select); coding-DNA position 1359, C replaced by T.
Protein change: p.Arg453=; no amino-acid change (arginine 453 retained).
Molecular consequence: synonymous variant.
Genome position (GRCh38, 1-based): chr10:93,528,117, C>T. VCF-style: chr10-93528117-C-T. GRCh37 (hg19) VCF-style: chr10-95287874-C-T.
Other names: c.1359C>T, p.Arg453= (NM_001127182.2).
Identifiers: ClinVar variation 3047775 (VCV003047775.2), dbSNP rs1295082164, ClinGen allele CA470794151.

ClinVar aggregate classification (germline): Likely benign (0 of 4 stars; one submission).

Conditions:
CEP55-related disorder. Also called: CEP55-related condition.

gnomAD v4.1: 25 of 1,613,970 alleles (0.0015%); highest among the groups gnomAD compares: South Asian, 0.0022%; no homozygotes.

Submission:

PreventionGenetics, part of Exact Sciences
Classification: Likely benign for CEP55-related condition. Last evaluated: 2023-02-07. Review status: no assertion criteria provided. Collection method: clinical testing. Allele origin: germline.
Comment: This variant is classified as likely benign based on ACMG/AMP sequence variant interpretation guidelines (Richards et al. 2015 PMID: 25741868, with internal and published modifications).